The following is an entry in ClinVar:

NM_130837.3(OPA1):c.2987_2988del (p.Lys996fs)

Gene: OPA1 (OPA1 mitochondrial dynamin like GTPase; plus strand). Cytogenetic location: 3q29.
Variant type: Deletion.
Coding change: c.2987_2988del on transcript NM_130837.3 (MANE Select); coding-DNA positions 2987 to 2988, 2 bases deleted (AA; older notation c.2987_2988delAA).
Protein change: p.Lys996fs; shifts the reading frame from lysine 996.
Molecular consequence: frameshift variant.
Genome position (GRCh38, 1-based): chr3:193,692,066-193,692,067, AA deleted; deleting any 2 consecutive bases within chr3:193,692,065-193,692,067 gives the same sequence; the c. name uses the placement nearest the transcript's 3' end. VCF-style (leftmost placement, unchanged base first): chr3-193692064-GAA-G. GRCh37 (hg19) VCF-style: chr3-193409853-GAA-G.
Other names: c.2453_2454del, p.Lys818fs (NM_001354663.2); c.2450_2451del, p.Lys817fs (NM_001354664.2); c.2822_2823del, p.Lys941fs (NM_015560.3); c.2714_2715del, p.Lys905fs (NM_130831.3); c.2768_2769del, p.Lys923fs (NM_130832.3); c.2825_2826del, p.Lys942fs (NM_130833.3); c.2876_2877del, p.Lys959fs (NM_130834.3); c.2879_2880del, p.Lys960fs (NM_130835.3); and 1 more; short protein forms K817fs, K818fs, K941fs, K942fs, K959fs, K960fs, K978fs, K923fs.
Identifiers: ClinVar variation 285555 (VCV000285555.11), dbSNP rs886043136, ClinGen allele CA10605154.

ClinVar aggregate classification (germline): Pathogenic. Review status: criteria provided, multiple submitters, no conflicts (2 of 4 stars). 3 submissions from 3 submitters: Pathogenic (3). Last evaluated 2023-09-22.

Submissions (3):

Labcorp Genetics (formerly Invitae), Labcorp
Classification: Pathogenic. Last evaluated: 2023-09-22. Review status: criteria provided, single submitter. Criteria: Invitae Variant Classification Sherloc (09022015). Collection method: clinical testing. Allele origin: germline.
Comment: ClinVar contains an entry for this variant (Variation ID: 285555). This variant has not been reported in the literature in individuals affected with OPA1-related conditions. This variant is not present in population databases (gnomAD no frequency). This sequence change creates a premature translational stop signal (p.Lys941Serfs*2) in the OPA1 gene. It is expected to result in an absent or disrupted protein product. Loss-of-function variants in OPA1 are known to be pathogenic (PMID: 11440988, 20157015, 20952381, 25012220). For these reasons, this variant has been classified as Pathogenic.

Athena Diagnostics
Classification: Pathogenic. Last evaluated: 2022-01-26. Review status: criteria provided, single submitter. Criteria: Athena Diagnostics Criteria. Collection method: clinical testing. Allele origin: unknown.
Comment: This variant is expected to result in the loss of a functional protein. This variant has not been reported in large, multi-ethnic general populations. This variant has been identified in at least one individual with clinical features associated with this gene.

Eurofins Ntd Llc (ga)
Classification: Pathogenic. Last evaluated: 2015-12-23. Review status: criteria provided, single submitter. Criteria: EGL Classification Definitions 2015. Collection method: clinical testing. Allele origin: germline. Observed: 1 variant allele, 1 heterozygote.

Literature cited by the submitters: PubMed 11440988 (cited by Labcorp Genetics (formerly Invitae), Labcorp); PubMed 20157015 (cited by Labcorp Genetics (formerly Invitae), Labcorp); PubMed 20952381 (cited by Labcorp Genetics (formerly Invitae), Labcorp); PubMed 25012220 (cited by Labcorp Genetics (formerly Invitae), Labcorp).